The following is an entry in ClinVar:

ClinVar aggregate classification (germline): Uncertain significance (1 of 4 stars; one submission).

Conditions:
Hereditary cancer-predisposing syndrome. Also called: Hereditary Cancer Syndrome; Hereditary neoplastic syndrome; Neoplastic Syndromes, Hereditary; Tumor predisposition. Identifiers: Orphanet 140162, MedGen C0027672, MeSH D009386, MONDO:0015356.

Submission:

Ambry Genetics
Classification: Uncertain significance for Hereditary cancer-predisposing syndrome. Last evaluated: 2025-04-08. Review status: criteria provided, single submitter. Criteria: Ambry Variant Classification Scheme 2023. Collection method: clinical testing. Allele origin: germline.
Comment: The p.P2513H variant (also known as c.7538C>A), located in coding exon 15 of the APC gene, results from a C to A substitution at nucleotide position 7538. The proline at codon 2513 is replaced by histidine, an amino acid with similar properties. This amino acid position is conserved. In addition, in silico predictors for this gene do not accurately predict pathogenicity. Based on the available evidence, the clinical significance of this variant remains unclear.

NM_000038.6(APC):c.7538C>A (p.Pro2513His)

Gene: APC (APC regulator of Wnt signaling pathway; plus strand). Cytogenetic location: 5q22.2.
Variant type: single nucleotide variant.
Coding change: c.7538C>A on transcript NM_000038.6 (MANE Select); coding-DNA position 7538, C replaced by A.
Protein change: p.Pro2513His; replaces proline 2513 with histidine.
Molecular consequence: missense variant. On other transcripts: non-coding transcript variant (2).
Genome position (GRCh38, 1-based): chr5:112,843,132, C>A. VCF-style: chr5-112843132-C-A. GRCh37 (hg19) VCF-style: chr5-112178829-C-A.
Other names: c.7538C>A, p.Pro2513His (NM_001127510.3, NM_001354895.2, NM_001407450.1); c.7484C>A, p.Pro2495His (NM_001127511.3); c.7592C>A, p.Pro2531His (NM_001354896.2, NM_001407447.1, NM_001407448.1 and 1 more transcripts); c.7568C>A, p.Pro2523His (NM_001354897.2); c.7463C>A, p.Pro2488His (NM_001354898.2); c.7454C>A, p.Pro2485His (NM_001354899.2); c.7415C>A, p.Pro2472His (NM_001354900.2); c.7361C>A, p.Pro2454His (NM_001354901.2, NM_001407453.1); and 11 more; short protein forms P2412H, P2430H, P2488H, P2384H, P2506H, P2513H, P2541H, P2129H.
Identifiers: ClinVar variation 3927421 (VCV003927421.1).